The following continues an entry in ClinVar:

NM_014874.4(MFN2):c.749G>A (p.Arg250Gln)

Gene: MFN2. ClinVar aggregate classification (germline): Conflicting classifications of pathogenicity. Likely pathogenic (2); Pathogenic, low penetrance (1); Uncertain significance (9); Likely benign (1).

Submissions 10 to 17 of 17:

Ambry Genetics
Classification: Uncertain significance for Inborn genetic diseases. Last evaluated: 2022-08-04. Review status: criteria provided, single submitter. Criteria: Ambry Variant Classification Scheme 2023. Collection method: clinical testing. Allele origin: germline.
Comment: The p.R250Q variant (also known as c.749G>A), located in coding exon 6 of the MFN2 gene, results from a G to A substitution at nucleotide position 749. The arginine at codon 250 is replaced by glutamine, an amino acid with highly similar properties. This alteration has been reported in a compound heterozygous state in two siblings with early-onset sensory motor neuropathy (Tomaselli PJ et al. J Peripher Nerv Syst, 2016 Mar;21:52-4), as well as in a heterozygous state in multiple unrelated individuals with Charcot-Marie-Tooth disease (CMT) (Verhoeven K et al. Brain, 2006 Aug;129:2093-102; McCorquodale DS et al. J. Neurol., 2011 Jul;258:1234-9; Sitarz KS et al. Brain, 2012 Aug;135:e219, 1-3; author reply e220, 1-3; Rudnik-Sch&ouml;neborn S et al. Clin Genet, 2016 Jan;89:34-43). Another alteration at the same codon, p.R250W (c.748C>T), has been described in multiple individuals with phenotypes consistent with CMT disease (Di Meglio C et al. Brain Dev, 2016 May;38:498-506; Piscosquito G et al. J Peripher Nerv Syst, 2015 Dec;20:380-6; Sun B et al. J Peripher Nerv Syst, 2017 03;22:13-18; Verhoeven K et al. Brain, 2006 Aug;129:2093-102). This amino acid position is not well conserved in available vertebrate species. In addition, this alteration is predicted to be deleterious by in silico analysis. Based on the supporting evidence, this variant is unlikely to be causative of autosomal dominant MFN2-related neuropathy; however, its contribution to the development of autosomal recessive MFN2-related neuropathy is uncertain.

Athena Diagnostics
Classification: Likely benign. Last evaluated: 2021-05-25. Review status: criteria provided, single submitter. Criteria: Athena Diagnostics criteria. Collection method: clinical testing. Allele origin: unknown.

Juno Genomics, Hangzhou Juno Genomics, Inc
Classification: Likely pathogenic for Charcot-Marie-Tooth disease type 2A2; Charcot-Marie-Tooth disease, axonal, autosomal recessive, type 2a2b;; Neuropathy, hereditary motor and sensory, type 6A; Multiple symmetric lipomatosis. Review status: criteria provided, single submitter. Criteria: ACMG Guidelines, 2015. Collection method: clinical testing. Allele origin: germline.
Comment: Absent from controls (or at extremely low frequency if recessive) in Genome Aggregation Database.;Multiple lines of computational evidence support a deleterious effect on the gene or gene product.;Missense variant in a gene that has a low rate of benign missense variation.;For recessive disorders, detected in trans with a pathogenic variant.;The prevalence of the variant in affected individuals is significantly increased compared to the prevalence in controls.

Molecular Genetics Laboratory, London Health Sciences Centre
Classification: Uncertain significance for Charcot-Marie-Tooth disease. Review status: criteria provided, single submitter. Criteria: ACMG Guidelines, 2015. Collection method: clinical testing. Allele origin: germline. Affected: yes.

Clinical Genetics DNA and cytogenetics Diagnostics Lab, Erasmus MC, Erasmus Medical Center
Classification: Uncertain significance. Review status: no assertion criteria provided. Collection method: clinical testing. Allele origin: germline. Affected: yes. Study: VKGL Data-share Consensus. Not counted in ClinVar's aggregate classification.

Clinical Genetics, Academic Medical Center
Classification: Uncertain significance. Review status: no assertion criteria provided. Collection method: clinical testing. Allele origin: germline. Affected: yes. Study: VKGL Data-share Consensus. Not counted in ClinVar's aggregate classification.

Hong-Tao Li Lab, Institute of Brain Science and Brain-inspired Research, Shandong First Medical University & Shandong Academy of Medical Sciences China
Classification: Likely pathogenic for Neuropathy, hereditary motor and sensory, type 6A. Review status: no assertion criteria provided. Collection method: research. Allele origin: germline. Inheritance: Autosomal dominant inheritance. Affected: yes. Observed: 1 variant allele, 1 heterozygote. Not counted in ClinVar's aggregate classification.
Comment: Observed in affected individuals from a Pakistani neurodevelopmental-disorder research cohort of 263 individuals. Classification assigned using the ACMG/AMP framework. Population-frequency evidence: gnomAD AF 0.0002192.

Inherited Neuropathy Consortium
Classification: Uncertain significance for Charcot-Marie-Tooth disease. Review status: no assertion criteria provided. Collection method: literature only. Allele origin: germline. Affected: yes. Not counted in ClinVar's aggregate classification.

Literature cited by the submitters: PubMed 21258814 (cited by 4 submitters); PubMed 22492563 (cited by 4 submitters); PubMed 25850958 (cited by 4 submitters); PubMed 26930221 (cited by 4 submitters); PubMed 32376792 (cited by 3 submitters); PubMed 16714318 (cited by 5 submitters); PubMed 26306937 (cited by 3 submitters); PubMed 28660751 (cited by Labcorp Genetics (formerly Invitae), Labcorp); PubMed 35922214 (cited by Labcorp Genetics (formerly Invitae), Labcorp); PubMed 23800155 (cited by Mayo Clinic Laboratories, Mayo Clinic); PubMed 26752306 (cited by Mayo Clinic Laboratories, Mayo Clinic and Athena Diagnostics); PubMed 26968897 (cited by Mayo Clinic Laboratories, Mayo Clinic and Athena Diagnostics); PubMed 31827005 (cited by Mayo Clinic Laboratories, Mayo Clinic); PubMed 26686600 (cited by Ambry Genetics); PubMed 27862672 (cited by Ambry Genetics); PubMed 26392352 (cited by Athena Diagnostics); PubMed 30442897 (cited by Athena Diagnostics).